The following is an entry in ClinVar:

ClinVar aggregate classification (germline): Benign/Likely benign. Review status: criteria provided, multiple submitters, no conflicts (2 of 4 stars). 4 submissions from 4 submitters: Benign (1); Likely benign (3). Last evaluated 2026-01-29.

Conditions:
Short-rib thoracic dysplasia 6 with or without polydactyly (SRTD6). Also called: SHORT-RIB THORACIC DYSPLASIA 6 WITH POLYDACTYLY; SHORT-RIB THORACIC DYSPLASIA 6 WITHOUT POLYDACTYLY; SHORT RIB-POLYDACTYLY SYNDROME, TYPE IIA; Majewski Syndrome; POLYDACTYLY WITH NEONATAL CHONDRODYSTROPHY, TYPE II. Identifiers: MedGen C0024507, MONDO:0009894, OMIM 263520.
NEK1-related disorder. Also called: NEK1-related condition.

Allele frequency attached by ClinVar (database versions not stated): gnomAD exomes 0.00007 and 0.00015; ExAC 0.00022; ESP Exome Variant Server 0.00051; gnomAD 0.00059 and 0.00066; TOPMed 0.00064; 1000 Genomes Project 0.00100; 1000 Genomes Project 30x 0.00125.
gnomAD v4.1: 194 of 1,607,660 alleles (0.012%); highest among the groups gnomAD compares: African/African-American, 0.22%; 1 homozygote.

Submissions (4):

Labcorp Genetics (formerly Invitae), Labcorp
Classification: Benign for Short-rib thoracic dysplasia 6 with or without polydactyly. Last evaluated: 2026-01-29. Review status: criteria provided, single submitter. Criteria: Invitae Variant Classification Sherloc (09022015). Collection method: clinical testing. Allele origin: germline.

PreventionGenetics, part of Exact Sciences
Classification: Likely benign for NEK1-related condition. Last evaluated: 2024-12-02. Review status: criteria provided, single submitter. Criteria: ACMG Guidelines, 2015. Collection method: clinical testing. Allele origin: germline.
Comment: This variant is classified as likely benign based on ACMG/AMP sequence variant interpretation guidelines (Richards et al. 2015 PMID: 25741868, with internal and published modifications).

CeGaT Center for Human Genetics Tuebingen
Classification: Likely benign. Last evaluated: 2023-12-01. Review status: criteria provided, single submitter. Criteria: CeGaT Center For Human Genetics Tuebingen Variant Classification Criteria Version 2. Collection method: clinical testing. Allele origin: germline. Affected: yes. Observed: 1 variant allele.
Comment: NEK1: BP4, BP7

GeneDx
Classification: Likely benign. Last evaluated: 2018-04-20. Review status: criteria provided, single submitter. Criteria: GeneDx Variant Classification (06012015). Collection method: clinical testing. Allele origin: germline. Affected: yes.
Comment: This variant is considered likely benign or benign based on one or more of the following criteria: it is a conservative change, it occurs at a poorly conserved position in the protein, it is predicted to be benign by multiple in silico algorithms, and/or has population frequency not consistent with disease.

NM_001199397.3(NEK1):c.618C>A (p.Gly206=)

Gene: NEK1 (NIMA related kinase 1; minus strand). Cytogenetic location: 4q33.
Variant type: single nucleotide variant.
Coding change: c.618C>A on transcript NM_001199397.3 (MANE Select); coding-DNA position 618, C replaced by A.
Protein change: p.Gly206=; no amino-acid change (glycine 206 retained).
Molecular consequence: synonymous variant. On other transcripts: non-coding transcript variant (2).
Genome position (GRCh38, 1-based): chr4:169,585,538, G>T on the plus strand (C>A on the coding strand, the complement: NEK1 is on the minus strand). VCF-style: chr4-169585538-G-T. GRCh37 (hg19) VCF-style: chr4-170506689-G-T.
Other names: c.618C>A, p.Gly206= (NM_001199398.3, NM_001199399.3, NM_001199400.3 and 7 more transcripts).
Identifiers: ClinVar variation 682368 (VCV000682368.33), dbSNP rs373174833, ClinGen allele CA3137983.